The following is an entry in ClinVar:

NM_000400.4(ERCC2):c.1580T>A (p.Met527Lys)

Gene: ERCC2 (ERCC excision repair 2, TFIIH core complex helicase subunit; minus strand). Cytogenetic location: 19q13.32.
Variant type: single nucleotide variant.
Coding change: c.1580T>A on transcript NM_000400.4 (MANE Select); coding-DNA position 1580, T replaced by A.
Protein change: p.Met527Lys; replaces methionine 527 with lysine.
Molecular consequence: missense variant.
Genome position (GRCh38, 1-based): chr19:45,354,815, A>T on the plus strand (T>A on the coding strand, the complement: ERCC2 is on the minus strand). VCF-style: chr19-45354815-A-T. GRCh37 (hg19) VCF-style: chr19-45858073-A-T.
Other names: short protein forms M527K.
Identifiers: ClinVar variation 3509863 (VCV003509863.1).

ClinVar aggregate classification (germline): Uncertain significance (1 of 4 stars; one submission).

Conditions:
Inborn genetic diseases. Identifiers: MedGen C0950123, MeSH D030342.

gnomAD v4.1: 2 of 1,614,096 alleles (0.00012%); highest among the groups gnomAD compares: Non-Finnish European, 0.00017%; no homozygotes.

Submission:

Ambry Genetics
Classification: Uncertain significance for Inborn genetic diseases. Last evaluated: 2024-09-13. Review status: criteria provided, single submitter. Criteria: Ambry Variant Classification Scheme 2023. Collection method: clinical testing. Allele origin: germline.
Comment: The p.M527K variant (also known as c.1580T>A), located in coding exon 17 of the ERCC2 gene, results from a T to A substitution at nucleotide position 1580. The methionine at codon 527 is replaced by lysine, an amino acid with similar properties. This amino acid position is conserved. In addition, this alteration is predicted to be deleterious by in silico analysis. Based on the available evidence, the clinical significance of this variant remains unclear.